The following is an entry in ClinVar:

NM_001382567.1(STIM1):c.869_887del (p.Ile290fs)

Gene: STIM1 (stromal interaction molecule 1; plus strand). Cytogenetic location: 11p15.4.
Variant type: Deletion.
Coding change: c.869_887del on transcript NM_001382567.1 (MANE Select); coding-DNA positions 869 to 887, 19 bases deleted (TCAACCTTGCTAAGCAGGA).
Protein change: p.Ile290fs; shifts the reading frame from isoleucine 290.
Molecular consequence: frameshift variant.
Genome position (GRCh38, 1-based): chr11:4,074,579-4,074,597, TCAACCTTGCTAAGCAGGA deleted; deleting any 19 consecutive bases within chr11:4,074,577-4,074,597 gives the same sequence; the c. name uses the placement nearest the transcript's 3' end. VCF-style (leftmost placement, unchanged base first): chr11-4074576-AGATCAACCTTGCTAAGCAG-A. GRCh37 (hg19) VCF-style: chr11-4095806-AGATCAACCTTGCTAAGCAG-A.
Other names: c.869_887del, p.Ile290fs (NM_001277961.3, NM_001277962.2, NM_001382568.1 and 2 more transcripts); c.647_665del, p.Ile216fs (NM_001382566.1, NM_001382573.1, NM_001382574.1 and 5 more transcripts); c.734_752del, p.Ile245fs (NM_001382569.1); c.641_659del, p.Ile214fs (NM_001382570.1); c.389_407del, p.Ile130fs (NM_001382571.1); c.380_398del, p.Ile127fs (NM_001382580.1, NM_001382581.1); short protein forms I214fs, I245fs, I127fs, I130fs, I290fs, I216fs.
Identifiers: ClinVar variation 1365102 (VCV001365102.6), dbSNP rs751733169, ClinGen allele CA5830347.

ClinVar aggregate classification (germline): Pathogenic (1 of 4 stars; one submission).

Conditions:
Combined immunodeficiency due to STIM1 deficiency. Also called: STIM1 DEFICIENCY; IMMUNODEFICIENCY 10. Identifiers: Orphanet 169090, Orphanet 317430, MedGen C2748557, MONDO:0013008, OMIM 612783.
Myopathy with tubular aggregates (TAM). Also called: Tubular Aggregate Myopathy. Identifiers: Orphanet 2593, MedGen C0410207, MONDO:0008051.
Stormorken syndrome (STRMK). Also called: THROMBOCYTOPATHY, ASPLENIA, AND MIOSIS. Identifiers: Orphanet 3204, MedGen C1861451, MONDO:0008497, OMIM 185070.

Submission:

Labcorp Genetics (formerly Invitae), Labcorp
Classification: Pathogenic for Myopathy with tubular aggregates; Combined immunodeficiency due to STIM1 deficiency; Stormorken syndrome. Last evaluated: 2024-05-21. Review status: criteria provided, single submitter. Criteria: Invitae Variant Classification Sherloc (09022015). Collection method: clinical testing. Allele origin: germline.
Comment: This sequence change creates a premature translational stop signal (p.Ile290Lysfs*5) in the STIM1 gene. It is expected to result in an absent or disrupted protein product. Loss-of-function variants in STIM1 are known to be pathogenic (PMID: 19420366, 20876309). This variant is present in population databases (rs751733169, gnomAD 0.0009%). This variant has not been reported in the literature in individuals affected with STIM1-related conditions. ClinVar contains an entry for this variant (Variation ID: 1365102). For these reasons, this variant has been classified as Pathogenic.

Literature cited by the submitters: PubMed 19420366; PubMed 20876309.